The following is an entry in ClinVar:

NC_000010.10:g.(?_67680088)_(67726524_?)dup

Gene: CTNNA3 (catenin alpha 3; minus strand). Cytogenetic location: 10q21.3.
Variant type: Duplication.
Identifiers: ClinVar variation 3244914 (VCV003244914.1).

ClinVar aggregate classification (germline): Uncertain significance (1 of 4 stars; one submission).

Conditions:
Arrhythmogenic right ventricular dysplasia 13. Also called: ARRHYTHMOGENIC RIGHT VENTRICULAR CARDIOMYOPATHY 13; Arrhythmogenic right ventricular dysplasia, familial, 13. Identifiers: MedGen C3810138, MONDO:0000908, OMIM 615616.

Submission:

Labcorp Genetics (formerly Invitae), Labcorp
Classification: Uncertain significance for Arrhythmogenic right ventricular dysplasia 13. Last evaluated: 2023-08-14. Review status: criteria provided, single submitter. Criteria: Invitae Variant Classification Sherloc (09022015). Collection method: clinical testing. Allele origin: unknown.
Comment: In summary, the available evidence is currently insufficient to determine the role of this variant in disease. Therefore, it has been classified as a Variant of Uncertain Significance. Experimental studies and prediction algorithms are not available or were not evaluated, and the functional significance of this variant is currently unknown. This variant has not been reported in the literature in individuals affected with CTNNA3-related conditions. This variant results in a copy number gain of the genomic region encompassing exon(s) 17-18 of the CTNNA3 gene. This region includes the termination codon of the gene. This copy number gain extends beyond the assayed region for this gene and therefore may encompass additional genes. As the precise location of this event is unknown, it may be in tandem or it may be located elsewhere in the genome.